The following is an entry in ClinVar:

NM_207371.4(SKIDA1):c.2365C>T (p.Arg789Ter)

Gene: SKIDA1 (SKI/DACH domain containing 1; minus strand). Cytogenetic location: 10p12.31.
Variant type: single nucleotide variant.
Coding change: c.2365C>T on transcript NM_207371.4 (MANE Select); coding-DNA position 2365, C replaced by T.
Protein change: p.Arg789Ter; replaces arginine 789 with a stop codon.
Molecular consequence: nonsense.
Genome position (GRCh38, 1-based): chr10:21,515,458, G>A on the plus strand (C>T on the coding strand, the complement: SKIDA1 is on the minus strand). VCF-style: chr10-21515458-G-A. GRCh37 (hg19) VCF-style: chr10-21804387-G-A.
Other names: short protein forms R789*.
Identifiers: ClinVar variation 3354183 (VCV003354183.1).

ClinVar aggregate classification (germline): Uncertain significance (0 of 4 stars; one submission).

Conditions:
SKIDA1-related disorder. Also called: SKIDA1-related condition.

Submission:

PreventionGenetics, part of Exact Sciences
Classification: Uncertain significance for SKIDA1-related condition. Last evaluated: 2024-09-09. Review status: no assertion criteria provided. Collection method: clinical testing. Allele origin: germline.
Comment: The SKIDA1 c.2365C>T variant is predicted to result in premature protein termination (p.Arg789*). To our knowledge, this variant has not been reported in the literature or in a large population database, indicating this variant is rare. At this time, the clinical significance of this variant is uncertain due to the absence of conclusive functional and genetic evidence.